The following is an entry in ClinVar:

ClinVar aggregate classification (germline): Uncertain significance (1 of 4 stars; one submission).

gnomAD v4.1: 29 of 1,589,306 alleles (0.0018%); highest among the groups gnomAD compares: South Asian, 0.0046%; no homozygotes.

Submission:

Mayo Clinic Laboratories, Mayo Clinic
Classification: Uncertain significance. Last evaluated: 2025-09-12. Review status: criteria provided, single submitter. Criteria: ACMG Guidelines, 2015. Collection method: clinical testing. Allele origin: germline. Observed: 1 variant allele.
Comment: BP4_moderate

NM_001365276.2(TNXB):c.2678C>T (p.Thr893Met)

Gene: TNXB (tenascin XB; minus strand). Cytogenetic location: 6p21.33.
Variant type: single nucleotide variant.
Coding change: c.2678C>T on transcript NM_001365276.2 (MANE Select); coding-DNA position 2678, C replaced by T.
Protein change: p.Thr893Met; replaces threonine 893 with methionine.
Molecular consequence: missense variant.
Genome position (GRCh38, 1-based): chr6:32,088,886, G>A on the plus strand (C>T on the coding strand, the complement: TNXB is on the minus strand). VCF-style: chr6-32088886-G-A. GRCh37 (hg19) VCF-style: chr6-32056663-G-A.
Other names: p.Thr893Met; c.2678C>T, p.Thr893Met (NM_001428335.1, NM_019105.8); short protein forms T893M.
Identifiers: ClinVar variation 4541145 (VCV004541145.1).